The following is an entry in ClinVar:

NM_017654.4(SAMD9):c.3020T>G (p.Ile1007Ser)

Gene: SAMD9 (sterile alpha motif domain containing 9; minus strand). Cytogenetic location: 7q21.2.
Variant type: single nucleotide variant.
Coding change: c.3020T>G on transcript NM_017654.4 (MANE Select); coding-DNA position 3020, T replaced by G.
Protein change: p.Ile1007Ser; replaces isoleucine 1007 with serine.
Molecular consequence: missense variant.
Genome position (GRCh38, 1-based): chr7:93,103,078, A>C on the plus strand (T>G on the coding strand, the complement: SAMD9 is on the minus strand). VCF-style: chr7-93103078-A-C. GRCh37 (hg19) VCF-style: chr7-92732391-A-C.
Other names: c.3020T>G, p.Ile1007Ser (NM_001193307.2); short protein forms I1007S.
Identifiers: ClinVar variation 2633001 (VCV002633001.1), dbSNP rs2535356693, ClinGen allele CA368189014.
Genomic context (GRCh38, chr7:93,103,078, plus strand): 5'-AATTTACTTTTTCCCATACCAGTATCGAAGAACAAATTCTCAGTTAGCATATCCAACATA[A>C]TTTGACTTTTATTCAGGTGATAGCTTTTCTTCAATTCTTCCAGTGAGAACTCTGCAATCA-3'
Protein context (NP_060124.2, residues 997-1017): KKSYHLNKSQ[Ile1007Ser]MLDMLTENLF

ClinVar aggregate classification (germline): Uncertain significance (1 of 4 stars; one submission).

Conditions:
SAMD9-related disorder. Also called: SAMD9-related condition.

gnomAD v4.1: 1 of 1,613,836 alleles (0.000062%); highest among the groups gnomAD compares: Non-Finnish European, 0.000085%; no homozygotes.

Submission:

PreventionGenetics, part of Exact Sciences
Classification: Uncertain significance for SAMD9-related condition. Last evaluated: 2023-04-20. Review status: criteria provided, single submitter. Criteria: ACMG Guidelines, 2015. Collection method: clinical testing. Allele origin: germline.
Comment: The SAMD9 c.3020T>G variant is predicted to result in the amino acid substitution p.Ile1007Ser. To our knowledge, this variant has not been reported in the literature or in a large population database, indicating this variant is rare. At this time, the clinical significance of this variant is uncertain due to the absence of conclusive functional and genetic evidence.